The following is an entry in ClinVar:

ClinVar aggregate classification (germline): Pathogenic (1 of 4 stars; one submission).

Submission:

Labcorp Genetics (formerly Invitae), Labcorp
Classification: Pathogenic. Last evaluated: 2024-04-01. Review status: criteria provided, single submitter. Criteria: Invitae Variant Classification Sherloc (09022015). Collection method: clinical testing. Allele origin: germline.
Comment: This sequence change creates a premature translational stop signal (p.Val109Glyfs*8) in the NBAS gene. It is expected to result in an absent or disrupted protein product. Loss-of-function variants in NBAS are known to be pathogenic (PMID: 26073778, 26541327, 27789416, 28031453). This variant is not present in population databases (gnomAD no frequency). This variant has not been reported in the literature in individuals affected with NBAS-related conditions. For these reasons, this variant has been classified as Pathogenic.

Literature cited by the submitters: PubMed 26073778; PubMed 26541327; PubMed 27789416; PubMed 28031453.

NM_015909.4(NBAS):c.326_327del (p.Val109fs)

Gene: NBAS (NBAS subunit of NRZ tethering complex; minus strand). Cytogenetic location: 2p24.3.
Variant type: Microsatellite.
Coding change: c.326_327del on transcript NM_015909.4 (MANE Select); coding-DNA positions 326 to 327, 2 bases deleted (TG; older notation c.326_327delTG).
Protein change: p.Val109fs; shifts the reading frame from valine 109.
Molecular consequence: frameshift variant. On other transcripts: non-coding transcript variant (1).
Genome position (GRCh38, 1-based): chr2:15,553,434-15,553,435, CA deleted on the plus strand (TG on the coding strand, the reverse complement: NBAS is on the minus strand); deleting any 2 consecutive bases within chr2:15,553,434-15,553,440 gives the same sequence; the c. name uses the placement nearest the transcript's 3' end. VCF-style (leftmost placement, unchanged base first): chr2-15553433-CCA-C. GRCh37 (hg19) VCF-style: chr2-15693557-CCA-C.
Other names: short protein forms V109fs.
Identifiers: ClinVar variation 3648380 (VCV003648380.2).